The following is an entry in ClinVar:

ClinVar aggregate classification (germline): Uncertain significance (1 of 4 stars; one submission).

Allele frequency attached by ClinVar (database versions not stated): gnomAD 0.00001; gnomAD exomes 0.00002; ExAC 0.00007.

Submission:

Labcorp Genetics (formerly Invitae), Labcorp
Classification: Uncertain significance. Last evaluated: 2023-05-15. Review status: criteria provided, single submitter. Criteria: Invitae Variant Classification Sherloc (09022015). Collection method: clinical testing. Allele origin: germline.
Comment: This sequence change replaces alanine, which is neutral and non-polar, with serine, which is neutral and polar, at codon 514 of the LRIT3 protein (p.Ala514Ser). This variant is present in population databases (rs781255139, gnomAD 0.01%). This variant has not been reported in the literature in individuals affected with LRIT3-related conditions. ClinVar contains an entry for this variant (Variation ID: 2160802). An algorithm developed to predict the effect of missense changes on protein structure and function (PolyPhen-2) suggests that this variant is likely to be tolerated. In summary, the available evidence is currently insufficient to determine the role of this variant in disease. Therefore, it has been classified as a Variant of Uncertain Significance.

NM_198506.5(LRIT3):c.1540G>T (p.Ala514Ser)

Gene: LRIT3 (leucine rich repeat, Ig-like and transmembrane domains 3; plus strand). Cytogenetic location: 4q25.
Variant type: single nucleotide variant.
Coding change: c.1540G>T on transcript NM_198506.5 (MANE Select); coding-DNA position 1540, G replaced by T.
Protein change: p.Ala514Ser; replaces alanine 514 with serine.
Molecular consequence: missense variant.
Genome position (GRCh38, 1-based): chr4:109,870,289, G>T. VCF-style: chr4-109870289-G-T. GRCh37 (hg19) VCF-style: chr4-110791445-G-T.
Other names: short protein forms A514S.
Identifiers: ClinVar variation 2160802 (VCV002160802.4), dbSNP rs781255139, ClinGen allele CA3043211.